The following is an entry in ClinVar:

ClinVar aggregate classification (germline): Conflicting classifications of pathogenicity. Review status: criteria provided, conflicting classifications (1 of 4 stars). 2 submissions from 2 submitters: Uncertain significance (1); Likely benign (1). Last evaluated 2024-03-19.

Conditions:
Hereditary cancer-predisposing syndrome. Also called: Tumor predisposition; Hereditary neoplastic syndrome; Neoplastic Syndromes, Hereditary; Hereditary Cancer Syndrome. Identifiers: Orphanet 140162, MedGen C0027672, MeSH D009386, MONDO:0015356.
Familial cancer of breast. Also called: BREAST CANCER, FAMILIAL; Hereditary breast cancer; hereditary breast carcinoma. Identifiers: Orphanet 227535, MedGen C0346153, MONDO:0016419, OMIM 114480. Disease mechanism: loss of function.

Submissions (2):

Ambry Genetics
Classification: Likely benign for Hereditary cancer-predisposing syndrome. Last evaluated: 2024-03-19. Review status: criteria provided, single submitter. Criteria: Ambry Variant Classification Scheme 2023. Collection method: clinical testing. Allele origin: germline.

Labcorp Genetics (formerly Invitae), Labcorp
Classification: Uncertain significance for Familial cancer of breast. Last evaluated: 2022-02-17. Review status: criteria provided, single submitter. Criteria: Invitae Variant Classification Sherloc (09022015). Collection method: clinical testing. Allele origin: germline.
Comment: This sequence change replaces alanine, which is neutral and non-polar, with valine, which is neutral and non-polar, at codon 590 of the PALB2 protein (p.Ala590Val). This variant is not present in population databases (gnomAD no frequency). This variant has not been reported in the literature in individuals affected with PALB2-related conditions. ClinVar contains an entry for this variant (Variation ID: 961132). Algorithms developed to predict the effect of missense changes on protein structure and function output the following: SIFT: "Tolerated"; PolyPhen-2: "Benign"; Align-GVGD: "Class C0". The valine amino acid residue is found in multiple mammalian species, which suggests that this missense change does not adversely affect protein function. In summary, the available evidence is currently insufficient to determine the role of this variant in disease. Therefore, it has been classified as a Variant of Uncertain Significance.

NM_024675.4(PALB2):c.1769C>T (p.Ala590Val)

Gene: PALB2 (partner and localizer of BRCA2; minus strand). Cytogenetic location: 16p12.2.
Variant type: single nucleotide variant.
Coding change: c.1769C>T on transcript NM_024675.4 (MANE Select); coding-DNA position 1769, C replaced by T.
Protein change: p.Ala590Val; replaces alanine 590 with valine.
Molecular consequence: missense variant.
Genome position (GRCh38, 1-based): chr16:23,630,385, G>A on the plus strand (C>T on the coding strand, the complement: PALB2 is on the minus strand). VCF-style: chr16-23630385-G-A. GRCh37 (hg19) VCF-style: chr16-23641706-G-A.
Other names: short protein forms A590V.
Identifiers: ClinVar variation 961132 (VCV000961132.11), dbSNP rs1966866430, ClinGen allele CA395128187.